The following is an entry in ClinVar:

NM_001035.3(RYR2):c.8630T>G (p.Leu2877Arg)

Gene: RYR2 (ryanodine receptor 2; plus strand). Cytogenetic location: 1q43.
Variant type: single nucleotide variant.
Coding change: c.8630T>G on transcript NM_001035.3 (MANE Select); coding-DNA position 8630, T replaced by G.
Protein change: p.Leu2877Arg; replaces leucine 2877 with arginine.
Molecular consequence: missense variant.
Genome position (GRCh38, 1-based): chr1:237,674,135, T>G. VCF-style: chr1-237674135-T-G. GRCh37 (hg19) VCF-style: chr1-237837435-T-G.
Other names: short protein forms L2877R.
Identifiers: ClinVar variation 3894305 (VCV003894305.1).

ClinVar aggregate classification (germline): Uncertain significance (1 of 4 stars; one submission).

Conditions:
Cardiomyopathy (CMYO). Also called: Cardiomyopathies. Identifiers: Orphanet 167848, MedGen C0878544, MONDO:0004994, HP:0001638. Inheritance: Various modes of inheritance.

Submission:

Color Diagnostics, LLC DBA Color Health
Classification: Uncertain significance for Cardiomyopathy. Last evaluated: 2024-03-24. Review status: criteria provided, single submitter. Criteria: ACMG Guidelines, 2015. Collection method: clinical testing. Allele origin: germline.
Comment: This missense variant replaces leucine with arginine at codon 2877 of the RYR2 protein. Computational prediction suggests that this variant may have deleterious impact on protein structure and function (internally defined REVEL score threshold >= 0.7, PMID: 27666373). To our knowledge, functional studies have not been reported for this variant. This variant has not been reported in individuals affected with RYR2-related disorders in the literature. This variant has not been identified in the general population by the Genome Aggregation Database (gnomAD). The available evidence is insufficient to determine the role of this variant in disease conclusively. Therefore, this variant is classified as a Variant of Uncertain Significance.